The following is an entry in ClinVar:

ClinVar aggregate classification (germline): Pathogenic/Likely pathogenic. Review status: criteria provided, multiple submitters, no conflicts (2 of 4 stars). 19 submissions from 19 submitters: Pathogenic (16); Likely pathogenic (1). 2 of the submissions do not count toward it. Last evaluated 2026-03-12.

Conditions:
Isolated thoracic aortic aneurysm.
Cardiovascular phenotype. Identifiers: MedGen CN230736.
Marfan Syndrome/Loeys-Dietz Syndrome/Familial Thoracic Aortic Aneurysms and Dissections. Identifiers: MedGen CN229799.
Familial thoracic aortic aneurysm and aortic dissection (TAAD). Also called: Thoracic aortic aneurysms and dissections. Identifiers: Orphanet 91387, MedGen C4707243, MONDO:0019625.
Marfan syndrome (MFS). Also called: Marfan syndrome type 1; Marfan's syndrome; Marfan syndrome, classic; MARFAN SYNDROME, TYPE I; FBN1-Related Marfan Syndrome. Identifiers: Orphanet 284963, Orphanet 558, MedGen C0024796, MONDO:0007947, OMIM 154700.
FBN1-related disorder. Also called: FBN1-related disorders.

Submissions 1 to 11 of 19:

Molecular Diagnostic Laboratory for Inherited Cardiovascular Disease, Montreal Heart Institute
Classification: Pathogenic for Cardiovascular phenotype. Last evaluated: 2026-03-12. Review status: criteria provided, single submitter. Criteria: ACMG Guidelines, 2015. Collection method: clinical testing. Allele origin: germline. Affected: yes.

Clinical Biomedical Laboratory, Shriners Hospital For Children - Canada
Classification: Pathogenic for Marfan syndrome. Last evaluated: 2026-03-10. Review status: criteria provided, single submitter. Criteria: ACMG Guidelines, 2015. Collection method: clinical testing. Allele origin: germline. Affected: yes.
Comment: This variant introduces a premature stop codon. This variant is absent from the Genome Aggregation Database v2.1.1. This variant has been reported in the literature (PMID:12938084). Loss of function mutations in FBN1 are an established cause of Marfan syndrome. Based on the ACMG variant interpretation guidelines, the available evidence supports classification of this variant as pathogenic.

Labcorp Genetics (formerly Invitae), Labcorp
Classification: Pathogenic for Marfan syndrome; Familial thoracic aortic aneurysm and aortic dissection. Last evaluated: 2026-02-02. Review status: criteria provided, single submitter. Criteria: Invitae Variant Classification Sherloc (09022015). Collection method: clinical testing. Allele origin: germline.
Comment: This sequence change creates a premature translational stop signal (p.Arg364*) in the FBN1 gene. It is expected to result in an absent or disrupted protein product. Loss-of-function variants in FBN1 are known to be pathogenic (PMID: 17657824, 19293843). This variant is not present in population databases (gnomAD no frequency). This premature translational stop signal has been observed in individuals with Marfan syndrome (PMID: 12938084, 17657824, 17663468, 25652356). ClinVar contains an entry for this variant (Variation ID: 199963). For these reasons, this variant has been classified as Pathogenic.

Ambry Genetics
Classification: Pathogenic for Familial thoracic aortic aneurysm and aortic dissection. Last evaluated: 2025-02-19. Review status: criteria provided, single submitter. Criteria: Ambry Variant Classification Scheme 2023. Collection method: clinical testing. Allele origin: germline.
Comment: The p.R364* pathogenic mutation (also known as c.1090C>T), located in coding exon 9 of the FBN1 gene, results from a C to T substitution at nucleotide position 1090. This changes the amino acid from an arginine to a stop codon within coding exon 9. This variant was reported in individual(s) with features consistent with Marfan syndrome (Rand-Hendriksen S et al. Am J Med Genet. 2007;143A(17):1968-77; Stheneur C et al. Eur J Hum Genet. 2009;17(9):1121-8; Ambry internal data). This variant is considered to be rare based on population cohorts in the Genome Aggregation Database (gnomAD). This alteration is expected to result in loss of function by premature protein truncation or nonsense-mediated mRNA decay. As such, this alteration is interpreted as a disease-causing mutation.

Victorian Clinical Genetics Services, Murdoch Childrens Research Institute
Classification: Pathogenic for Marfan syndrome. Last evaluated: 2024-10-08. Review status: criteria provided, single submitter. Criteria: ACMG Guidelines, 2015. Collection method: clinical testing. Allele origin: germline. Inheritance: Autosomal dominant inheritance. Affected: yes.
Comment: Based on the classification scheme VCGS_Germline_v1.3.4, this variant is classified as Pathogenic. Following criteria are met: 0103 - Dominant negative and loss of function are known mechanisms of disease in this gene and are associated with FBN1-related disease. Variants predicted to result in nonsense mediated decay cause loss of function effects, and are more commonly associated with severe Marfan syndrome (MIM#154700). Missense variants with both dominant negative and loss of function effects on protein function, are associated with Marfan syndrome and ectopia lentis (MIM#129600) (OMIM, PMID: 29357934). The exact genotype-phenotype correlation for this gene is still unclear, and is compounded by variable expressivity (PMID: 20301510). (I) 0107 - This gene is predominantly associated with autosomal dominant disease; autosomal recessive forms of Marfan syndrome have rarely been reported (PMID: 27274304; 31950671). (I) 0115 - Variants in this gene are known to have variable expressivity. The genotype-phenotype correlations for this gene are unclear, with single variants reported in patients with a range of phenotypes (PMID: 20301510, OMIM). (I) 0201 - Variant is predicted to cause nonsense-mediated decay (NMD) and loss of protein (premature termination codon is located at least 54 nucleotides upstream of the final exon-exon junction). (SP) 0251 - This variant is heterozygous. (I) 0301 - Variant is absent from gnomAD (both v2 and v3). (SP) 0701 - Other NMD-predicted variants comparable to the one identified in this case have very strong previous evidence for pathogenicity (DECIPHER). (SP) 0801 - This variant has strong previous evidence of pathogenicity in unrelated individuals. This variant has been classified as pathogenic by multiple clinical laboratories in ClinVar. (SP) Legend: (SP) - Supporting pathogenic, (I) - Information, (SB) - Supporting benign

GeneDx
Classification: Pathogenic. Last evaluated: 2024-04-11. Review status: criteria provided, single submitter. Criteria: GeneDx Variant Classification Process June 2021. Collection method: clinical testing. Allele origin: germline. Affected: yes.
Comment: Reported numerous times in association with Marfan syndrome and/or TAAD (PMID: 25652356, 12938084, 17253931, 17657824, 17663468, 19293843, 30341550, 29543232); Not observed at significant frequency in large population cohorts (gnomAD); Nonsense variant predicted to result in protein truncation or nonsense mediated decay in a gene for which loss of function is a known mechanism of disease; This variant is associated with the following publications: (PMID: 17253931, 29543232, 34498425, 33648514, 31825148, 25525159, 17657824, 17663468, 19293843, 12938084, 25652356, 28973303, 30341550, 31211624, 33483584, 33824467, 32679894, 33059708, 27535533, 33910934, 35741789, 38094723, 37116669)

Blueprint Genetics
Classification: Pathogenic for FBN1-related disorders. Last evaluated: 2023-05-25. Review status: criteria provided, single submitter. Criteria: ACMG Guidelines, 2015. Collection method: clinical testing. Allele origin: germline. Affected: yes. Observed: 3 variant alleles.

3billion
Classification: Pathogenic for Marfan syndrome. Last evaluated: 2022-05-22. Review status: criteria provided, single submitter. Criteria: ACMG Guidelines, 2015. Collection method: clinical testing. Allele origin: germline. Affected: yes. Observed: 1 heterozygote.
Comment: The variant is not observed in the gnomAD v2.1.1 dataset. Stop-gained (nonsense): predicted to result in a loss or disruption of normal protein function through nonsense-mediated decay (NMD) or protein truncation. Multiple pathogenic variants are reported downstream of the variant. The variant has been reported at least twice as pathogenic with clinical assertions and evidence for the classification (ClinVar ID: VCV000199963 / PMID: 12938084). Therefore, this variant is classified as pathogenic according to the recommendation of ACMG/AMP guideline.

CHEO Genetics Diagnostic Laboratory, Children's Hospital of Eastern Ontario
Classification: Pathogenic for Familial thoracic aortic aneurysm and aortic dissection. Last evaluated: 2021-07-12. Review status: criteria provided, single submitter. Criteria: ACMG Guidelines, 2015. Collection method: clinical testing. Allele origin: germline.

CeGaT Center for Human Genetics Tuebingen
Classification: Pathogenic. Last evaluated: 2021-06-01. Review status: criteria provided, single submitter. Criteria: CeGaT Center For Human Genetics Tuebingen Variant Classification Criteria Version 2. Collection method: clinical testing. Allele origin: germline. Affected: yes. Observed: 1 variant allele.

Institute of Medical Genetics and Applied Genomics, University Hospital Tübingen
Classification: Pathogenic. Last evaluated: 2020-10-23. Review status: criteria provided, single submitter. Criteria: ACMG Guidelines, 2015. Collection method: clinical testing. Allele origin: germline. Inheritance: Autosomal dominant inheritance. Affected: yes.

NM_000138.5(FBN1):c.1090C>T (p.Arg364Ter)

Genes: FBN1 (fibrillin 1; minus strand), LOC113939944 (Sharpr-MPRA regulatory region 9539; plus strand). Cytogenetic location: 15q21.1.
Variant type: single nucleotide variant.
Coding change: c.1090C>T on transcript NM_000138.5 (MANE Select); coding-DNA position 1090, C replaced by T.
Protein change: p.Arg364Ter; replaces arginine 364 with a stop codon.
Molecular consequence: nonsense.
Genome position (GRCh38, 1-based): chr15:48,520,716, G>A on the plus strand (C>T on the coding strand, the complement: FBN1 is on the minus strand). VCF-style: chr15-48520716-G-A. GRCh37 (hg19) VCF-style: chr15-48812913-G-A.
Other names: p.R364X:CGA>TGA; short protein forms R364*.
Identifiers: ClinVar variation 199963 (VCV000199963.74), dbSNP rs794728165, ClinGen allele CA011930.